The following is an entry in ClinVar:

NM_001395294.1(FAM149A):c.1307G>A (p.Arg436His)

Gene: FAM149A (family with sequence similarity 149 member A; plus strand). Cytogenetic location: 4q35.1.
Variant type: single nucleotide variant.
Coding change: c.1307G>A on transcript NM_001395294.1 (MANE Select); coding-DNA position 1307, G replaced by A.
Protein change: p.Arg436His; replaces arginine 436 with histidine.
Molecular consequence: missense variant.
Genome position (GRCh38, 1-based): chr4:186,156,050, G>A. VCF-style: chr4-186156050-G-A. GRCh37 (hg19) VCF-style: chr4-187077204-G-A.
Other names: c.434G>A (NM_015398.2); c.434G>A, p.Arg145His (NM_001006655.3, NM_001350178.1, NM_001350179.1 and 1 more transcripts); c.1280G>A, p.Arg427His (NM_001367768.3); short protein forms R145H, R427H, R436H.
Identifiers: ClinVar variation 2655215 (VCV002655215.25), dbSNP rs140463493, ClinGen allele CA3161871.

ClinVar aggregate classification (germline): Likely benign. Review status: criteria provided, multiple submitters, no conflicts (2 of 4 stars). 2 submissions from 2 submitters: Likely benign (2). Last evaluated 2025-07-31.

Allele frequency attached by ClinVar (database versions not stated): ESP Exome Variant Server 0.00077; gnomAD 0.00194; TOPMed 0.00244; 1000 Genomes Project 30x 0.00281; 1000 Genomes Project 0.00319.
gnomAD v4.1: 663 of 1,613,824 alleles (0.041%); highest among the groups gnomAD compares: African/African-American, 0.69%; 3 homozygotes.

Submissions (2):

Ambry Genetics
Classification: Likely benign. Last evaluated: 2025-07-31. Review status: criteria provided, single submitter. Criteria: Ambry Variant Classification Scheme 2023. Collection method: clinical testing. Allele origin: germline.

CeGaT Center for Human Genetics Tuebingen
Classification: Likely benign. Last evaluated: 2022-12-01. Review status: criteria provided, single submitter. Criteria: CeGaT Center For Human Genetics Tuebingen Variant Classification Criteria Version 2. Collection method: clinical testing. Allele origin: germline. Affected: yes. Observed: 1 variant allele.
Comment: FAM149A: BP4